The following is an entry in ClinVar:

ClinVar aggregate classification (germline): Uncertain significance. Review status: criteria provided, single submitter (1 of 4 stars). 2 submissions from 1 submitter: Uncertain significance (2). Last evaluated 2017-01-01.

Conditions:
Parkinsonian disorder. Also called: Parkinsonism. Identifiers: MedGen C0242422, MONDO:0021095, HP:0001300.
Basal ganglia calcification, idiopathic, 4 (PFBC4). Also called: Familial Idiopathic Basal Ganglia Calcification 4; PRIMARY FAMILIAL BRAIN CALCIFICATION 4, AUTOSOMAL DOMINANT. Identifiers: Orphanet 1980, MedGen C3554321, MONDO:0014004, OMIM 615007.

Submissions (2):

Centre for Mendelian Genomics, University Medical Centre Ljubljana
Classification: Uncertain significance for Parkinsonian disorder. Last evaluated: 2017-01-01. Review status: criteria provided, single submitter. Criteria: ACMG Guidelines, 2015. Collection method: clinical testing. Allele origin: unknown. Affected: yes.

Centre for Mendelian Genomics, University Medical Centre Ljubljana
Classification: Uncertain significance for Basal ganglia calcification, idiopathic, 4. Last evaluated: 2016-01-01. Review status: criteria provided, single submitter. Criteria: ACMG Guidelines, 2015. Collection method: clinical testing. Allele origin: unknown. Affected: yes.
Comment: This variant was classified as: Uncertain significance.

NM_002609.4(PDGFRB):c.3241G>A (p.Glu1081Lys)

Gene: PDGFRB (platelet derived growth factor receptor beta; minus strand). Cytogenetic location: 5q32.
Variant type: single nucleotide variant.
Coding change: c.3241G>A on transcript NM_002609.4 (MANE Select); coding-DNA position 3241, G replaced by A.
Protein change: p.Glu1081Lys; replaces glutamic acid 1081 with lysine.
Molecular consequence: missense variant.
Genome position (GRCh38, 1-based): chr5:150,115,843, C>T on the plus strand (G>A on the coding strand, the complement: PDGFRB is on the minus strand). VCF-style: chr5-150115843-C-T. GRCh37 (hg19) VCF-style: chr5-149495406-C-T.
Other names: c.3049G>A, p.Glu1017Lys (NM_001355016.2); c.2758G>A, p.Glu920Lys (NM_001355017.2); short protein forms E1081K, E1017K, E920K.
Identifiers: ClinVar variation 523454 (VCV000523454.4), dbSNP rs1554107047, ClinGen allele CA361752284.
Genomic context (GRCh38, chr5:150,115,843, plus strand): 5'-CTTCCGCCCGAGGCGCAGGGCACCCCGAATCCGGCAACTGTTCCAGCTCTGGCTCCGGCT[C>T]CACCTGGAGCTCAAGCTGGGGCTCTGGCTCTGGTTCGTCCTGGGGCTCCAGGGGGCTGTC-3'
Protein context (NP_002600.1, residues 1071-1091): EPEPQLELQV[Glu1081Lys]PEPELEQLPD